The following is an entry in ClinVar:

ClinVar aggregate classification (germline): Uncertain significance (1 of 4 stars; one submission).

Submission:

CeGaT Center for Human Genetics Tuebingen
Classification: Uncertain significance. Last evaluated: 2026-03-01. Review status: criteria provided, single submitter. Criteria: CeGaT Center For Human Genetics Tuebingen Variant Classification Criteria Version 2. Collection method: clinical testing. Allele origin: germline. Affected: yes. Observed: 1 variant allele.
Comment: GRAMD1B: PM2, PM3

NM_001387025.1(GRAMD1B):c.903del (p.Ser301_Met302insTer)

Gene: GRAMD1B (GRAM domain containing 1B; plus strand). Cytogenetic location: 11q24.1.
Variant type: Deletion.
Coding change: c.903del on transcript NM_001387025.1 (MANE Select); coding-DNA position 903, one base deleted (C; older notation c.903delC).
Protein change: p.Ser301_Met302insTer.
Molecular consequence: frameshift variant.
Genome position (GRCh38, 1-based): chr11:123,595,971, C deleted; the last of 2 consecutive C bases (chr11:123,595,970-123,595,971); deleting either gives the same sequence. VCF-style (leftmost placement, unchanged base first): chr11-123595969-TC-T. GRCh37 (hg19) VCF-style: chr11-123466677-TC-T.
Other names: c.495del, p.Ser165_Met166insTer (NM_001286563.3); c.354del, p.Ser118_Met119insTer (NM_001286564.3, NM_001330396.3, NM_001387030.1 and 5 more transcripts); c.555del, p.Ser185_Met186insTer (NM_001367418.2, NM_001367419.2, NM_001367420.2); c.771del, p.Ser257_Met258insTer (NM_001367421.2); c.903del, p.Ser301_Met302insTer (NM_001387024.1); c.900del, p.Ser300_Met301insTer (NM_001387026.1); c.474del, p.Ser158_Met159insTer (NM_001387028.1, NM_001387029.1, NM_020716.4).
Identifiers: ClinVar variation 4823698 (VCV004823698.4).